The following is an entry in ClinVar:

ClinVar aggregate classification (germline): Conflicting classifications of pathogenicity. Review status: criteria provided, conflicting classifications (1 of 4 stars). 7 submissions from 7 submitters: Uncertain significance (6); Likely benign (1). Last evaluated 2025-11-05.

Conditions:
Jeune thoracic dystrophy. Also called: Short-rib thoracic dysplasia; Jeune syndrome; Infantile thoracic dystrophy; Thoracic pelvic phalangeal dystrophy; Jeune's syndrome; Chondroectodermal dysplasia-like syndrome. Identifiers: Orphanet 474, MedGen C0265275, MONDO:0018770.
Asphyxiating thoracic dystrophy 3. Also called: Saldino-Noonan Syndrome; SHORT-RIB THORACIC DYSPLASIA 3 WITH OR WITHOUT POLYDACTYLY; POLYDACTYLY WITH NEONATAL CHONDRODYSTROPHY, TYPE I; SHORT-RIB THORACIC DYSPLASIA 3/6 WITH POLYDACTYLY, DIGENIC; Short rib polydactyly syndrome 2B. Identifiers: Orphanet 474, Orphanet 93269, Orphanet 93270, Orphanet 93271, MedGen C0036069, MONDO:0013127, OMIM 613091.

Allele frequency attached by ClinVar (database versions not stated): gnomAD 0.00008; ExAC 0.00003; gnomAD exomes 0.00004; TOPMed 0.00007.
gnomAD v4.1: 72 of 1,566,440 alleles (0.0046%); highest among the groups gnomAD compares: Middle Eastern, 0.18%; 1 homozygote.

Submissions (7):

Dasa
Classification: Likely benign. Last evaluated: 2025-11-05. Review status: criteria provided, single submitter. Criteria: DASA Assertion Criteria. Collection method: clinical testing. Allele origin: germline.
Comment: NM_001377.3(DYNC2H1):c.7597C>T (p.Arg2533Cys) is a missense variant that results in the substitution of arginine with cysteine. Population frequency is inconsistent with a disease-causing role for this variant, and observations in unaffected individuals support a benign interpretation. Therefore, based on the currently available evidence, this variant is classified as likely benign.

ARUP Laboratories, Molecular Genetics and Genomics, ARUP Laboratories
Classification: Uncertain significance for Asphyxiating thoracic dystrophy 3. Last evaluated: 2025-05-23. Review status: criteria provided, single submitter. Criteria: ARUP Molecular Germline Variant Investigation Process 2024. Collection method: clinical testing. Allele origin: germline.
Comment: The DYNC2H1 c.7597C>T; p.Arg2533Cys variant (rs754889986), to our knowledge, is not reported in the medical literature but is reported in ClinVar (Variation ID: 281440). This variant is found in the general population with an overall allele frequency of 0.0043% (10/231656 alleles) in the Genome Aggregation Database (v2.1.1). Computational analyses are uncertain whether this variant is neutral or deleterious (REVEL: 0.436). Due to limited information, the clinical significance of this variant is uncertain at this time.

Blueprint Genetics
Classification: Uncertain significance. Last evaluated: 2024-10-17. Review status: criteria provided, single submitter. Criteria: ACMG Guidelines, 2015. Collection method: clinical testing. Allele origin: germline.

Labcorp Genetics (formerly Invitae), Labcorp
Classification: Uncertain significance for Jeune thoracic dystrophy. Last evaluated: 2022-05-15. Review status: criteria provided, single submitter. Criteria: Invitae Variant Classification Sherloc (09022015). Collection method: clinical testing. Allele origin: germline.
Comment: This sequence change replaces arginine, which is basic and polar, with cysteine, which is neutral and slightly polar, at codon 2533 of the DYNC2H1 protein (p.Arg2533Cys). This variant is present in population databases (rs754889986, gnomAD 0.01%). This variant has not been reported in the literature in individuals affected with DYNC2H1-related conditions. ClinVar contains an entry for this variant (Variation ID: 281440). Algorithms developed to predict the effect of missense changes on protein structure and function (SIFT, PolyPhen-2, Align-GVGD) all suggest that this variant is likely to be disruptive. In summary, the available evidence is currently insufficient to determine the role of this variant in disease. Therefore, it has been classified as a Variant of Uncertain Significance.

GeneDx
Classification: Uncertain significance. Last evaluated: 2021-09-10. Review status: criteria provided, single submitter. Criteria: GeneDx Variant Classification Process June 2021. Collection method: clinical testing. Allele origin: germline. Affected: yes.
Comment: In silico analysis supports that this missense variant has a deleterious effect on protein structure/function; Has not been previously published as pathogenic or benign to our knowledge

Illumina Laboratory Services, Illumina
Classification: Uncertain significance for Asphyxiating thoracic dystrophy 3. Last evaluated: 2018-01-13. Review status: criteria provided, single submitter. Criteria: ICSL Variant Classification Criteria 13 December 2019. Collection method: clinical testing. Allele origin: germline.

Eurofins Ntd Llc (ga)
Classification: Uncertain significance. Last evaluated: 2015-06-18. Review status: criteria provided, single submitter. Criteria: EGL Classification Definitions 2015. Collection method: clinical testing. Allele origin: germline. Observed: 1 variant allele, 1 heterozygote.

NM_001377.3(DYNC2H1):c.7597C>T (p.Arg2533Cys)

Gene: DYNC2H1 (dynein cytoplasmic 2 heavy chain 1; plus strand). Cytogenetic location: 11q22.3.
Variant type: single nucleotide variant.
Coding change: c.7597C>T on transcript NM_001377.3 (MANE Select); coding-DNA position 7597, C replaced by T.
Protein change: p.Arg2533Cys; replaces arginine 2533 with cysteine.
Molecular consequence: missense variant.
Genome position (GRCh38, 1-based): chr11:103,192,153, C>T. VCF-style: chr11-103192153-C-T. GRCh37 (hg19) VCF-style: chr11-103062882-C-T.
Other names: c.7597C>T, p.Arg2533Cys (NM_001080463.2); short protein forms R2533C.
Identifiers: ClinVar variation 281440 (VCV000281440.16), dbSNP rs754889986, ClinGen allele CA6254285.